The following is an entry in ClinVar:

NM_000293.3(PHKB):c.2554G>T (p.Glu852Ter)

Gene: PHKB (phosphorylase kinase regulatory subunit beta; plus strand). Cytogenetic location: 16q12.1.
Variant type: single nucleotide variant.
Coding change: c.2554G>T on transcript NM_000293.3 (MANE Select); coding-DNA position 2554, G replaced by T.
Protein change: p.Glu852Ter; replaces glutamic acid 852 with a stop codon.
Molecular consequence: nonsense.
Genome position (GRCh38, 1-based): chr16:47,669,341, G>T. VCF-style: chr16-47669341-G-T. GRCh37 (hg19) VCF-style: chr16-47703252-G-T.
Other names: c.2533G>T, p.Glu845Ter (NM_001031835.3); c.2554G>T, p.Glu852Ter (NM_001363837.1); short protein forms E845*, E852*.
Identifiers: ClinVar variation 3603488 (VCV003603488.2).

ClinVar aggregate classification (germline): Pathogenic (1 of 4 stars; one submission).

Conditions:
Glycogen storage disease IXb (GSD9B). Also called: GLYCOGENOSIS OF LIVER AND MUSCLE, AUTOSOMAL RECESSIVE; GSD IXb; PHOSPHORYLASE KINASE DEFICIENCY OF LIVER AND MUSCLE, AUTOSOMAL RECESSIVE. Identifiers: Orphanet 79240, MedGen C0543514, MONDO:0009868, OMIM 261750.

gnomAD v4.1: 2 of 1,614,170 alleles (0.00012%); highest among the groups gnomAD compares: Admixed American, 0.0017%; no homozygotes.

Submission:

Labcorp Genetics (formerly Invitae), Labcorp
Classification: Pathogenic for Glycogen storage disease IXb. Last evaluated: 2025-01-12. Review status: criteria provided, single submitter. Criteria: Invitae Variant Classification Sherloc (09022015). Collection method: clinical testing. Allele origin: germline.
Comment: This sequence change creates a premature translational stop signal (p.Glu852*) in the PHKB gene. It is expected to result in an absent or disrupted protein product. Loss-of-function variants in PHKB are known to be pathogenic (PMID: 9215682, 9326319). This variant is present in population databases (no rsID available, gnomAD 0.003%). This variant has not been reported in the literature in individuals affected with PHKB-related conditions. For these reasons, this variant has been classified as Pathogenic.

Literature cited by the submitters: PubMed 9215682; PubMed 9326319.